The following is an entry in ClinVar:

ClinVar aggregate classification (germline): Likely pathogenic. Review status: criteria provided, multiple submitters, no conflicts (2 of 4 stars). 2 submissions from 2 submitters: Likely pathogenic (2). Last evaluated 2025-10-13.

Conditions:
Biotinidase deficiency. Also called: BTD deficiency; Late-onset biotin-responsive multiple carboxylase deficiency; Biotin deficiency. Identifiers: Orphanet 79241, MedGen C0220754, MONDO:0009665, OMIM 253260.

Submissions (2):

Women's Health and Genetics/Laboratory Corporation of America, LabCorp
Classification: Likely pathogenic for Biotinidase deficiency. Last evaluated: 2025-10-13. Review status: criteria provided, single submitter. Criteria: LabCorp Variant Classification Summary - May 2015. Collection method: clinical testing. Allele origin: germline.
Comment: Variant summary: BTD c.698C>T (p.Pro233Leu) results in a non-conservative amino acid change located in the biotinidase and vanins (class 4 nitrilases) domain (IPR012101) of the encoded protein sequence. Algorithms developed to predict the effect of missense changes on protein structure and function all suggest that this variant is likely to be disruptive. The variant was absent in 251436 control chromosomes. c.698C>T has been observed in individual(s) affected with Biotinidase Deficiency (Procter_2016). These data do not allow any conclusion about variant significance. A different variant affecting the same codon has been classified as likely pathogenic by our lab (c.697C>T, p.Pro233Ser), supporting the critical relevance of codon 233 to BTD protein function. To our knowledge, no experimental evidence demonstrating an impact on protein function has been reported. The following publication has been ascertained in the context of this evaluation (PMID: 26810761). ClinVar contains an entry for this variant (Variation ID: 2734452). Based on the evidence outlined above, the variant was classified as likely pathogenic.

Labcorp Genetics (formerly Invitae), Labcorp
Classification: Likely pathogenic for Biotinidase deficiency. Last evaluated: 2023-06-23. Review status: criteria provided, single submitter. Criteria: Invitae Variant Classification Sherloc (09022015). Collection method: clinical testing. Allele origin: germline.
Comment: This missense change has been observed in individual(s) with biotinidase deficiency (PMID: 26810761). This sequence change replaces proline, which is neutral and non-polar, with leucine, which is neutral and non-polar, at codon 253 of the BTD protein (p.Pro253Leu). This variant is not present in population databases (gnomAD no frequency). Advanced modeling of protein sequence and biophysical properties (such as structural, functional, and spatial information, amino acid conservation, physicochemical variation, residue mobility, and thermodynamic stability) performed at Invitae indicates that this missense variant is expected to disrupt BTD protein function. In summary, the currently available evidence indicates that the variant is pathogenic, but additional data are needed to prove that conclusively. Therefore, this variant has been classified as Likely Pathogenic.

Literature cited by the submitters: PubMed 26810761 (cited by Women's Health and Genetics/Laboratory Corporation of America, LabCorp and Labcorp Genetics (formerly Invitae), Labcorp).

NM_001370658.1(BTD):c.698C>T (p.Pro233Leu)

Gene: BTD (biotinidase; plus strand). Cytogenetic location: 3p25.1.
Variant type: single nucleotide variant.
Coding change: c.698C>T on transcript NM_001370658.1 (MANE Select); coding-DNA position 698, C replaced by T.
Protein change: p.Pro233Leu; replaces proline 233 with leucine.
Molecular consequence: missense variant. On other transcripts: intron variant (1).
Genome position (GRCh38, 1-based): chr3:15,644,614, C>T. VCF-style: chr3-15644614-C-T. GRCh37 (hg19) VCF-style: chr3-15686121-C-T.
Other names: P253L; c.758C>T, p.Pro253Leu (NM_000060.4); c.698C>T, p.Pro233Leu (NM_001281723.4, NM_001281724.3, NM_001281725.3 and 18 more transcripts); c.399+2557C>T (NM_001370753.1); short protein forms P233L.
Identifiers: ClinVar variation 2734452 (VCV002734452.7), dbSNP rs397514438, ClinGen allele CA278390.